The following is an entry in ClinVar:

ClinVar aggregate classification (germline): Likely benign (1 of 4 stars; one submission).

Submission:

Mayo Clinic Laboratories, Mayo Clinic
Classification: Likely benign. Last evaluated: 2025-06-27. Review status: criteria provided, single submitter. Criteria: ACMG Guidelines, 2015. Collection method: clinical testing. Allele origin: germline. Observed: 1 variant allele.
Comment: BP4, BP7

NM_000031.6(ALAD):c.327G>A (p.Arg109=)

Gene: ALAD (aminolevulinate dehydratase; minus strand). Cytogenetic location: 9q32.
Variant type: single nucleotide variant.
Coding change: c.327G>A on transcript NM_000031.6 (MANE Select); coding-DNA position 327, G replaced by A.
Protein change: p.Arg109=; no amino-acid change (arginine 109 retained).
Molecular consequence: synonymous variant.
Genome position (GRCh38, 1-based): chr9:113,390,868, C>T on the plus strand (G>A on the coding strand, the complement: ALAD is on the minus strand). VCF-style: chr9-113390868-C-T. GRCh37 (hg19) VCF-style: chr9-116153148-C-T.
Other names: p.Arg109=; c.414G>A, p.Arg138= (NM_001003945.3); c.303G>A, p.Arg101= (NM_001317745.2).
Identifiers: ClinVar variation 4683419 (VCV004683419.1).
Genomic context (GRCh38, chr9:113,390,868, plus strand): 5'-ATGGGAGGTGTAGGGACACAGGCAGACATCACAGGCCACCAGGAGGTTGGGGAAGGTCTT[C>T]CTCAACAGATGGATTGCCTCAATAGCTGGGGACTCCTCGGAGTCAGCTGCGGAACCCCGC-3'
Protein context (NP_000022.3, residues 99-119): SPAIEAIHLL[Arg109=]KTFPNLLVAC